The following is an entry in ClinVar:

NM_001212.4(C1QBP):c.241G>A (p.Ala81Thr)

Gene: C1QBP (complement C1q binding protein; minus strand). Cytogenetic location: 17p13.2.
Variant type: single nucleotide variant.
Coding change: c.241G>A on transcript NM_001212.4 (MANE Select); coding-DNA position 241, G replaced by A.
Protein change: p.Ala81Thr; replaces alanine 81 with threonine.
Molecular consequence: missense variant.
Genome position (GRCh38, 1-based): chr17:5,438,265, C>T on the plus strand (G>A on the coding strand, the complement: C1QBP is on the minus strand). VCF-style: chr17-5438265-C-T. GRCh37 (hg19) VCF-style: chr17-5341585-C-T.
Other names: c.241G>A (NM_001212.3); short protein forms A81T.
Identifiers: ClinVar variation 2059787 (VCV002059787.7), dbSNP rs145848155, ClinGen allele CA8325344.
Genomic context (GRCh38, chr17:5,438,265, plus strand): 5'-TTTTATGCTTCTGAATTTTTCTTTCCTCCTTAATTTCATCACTCAGGAAATCAACAAAAG[C>T]TTTGTCTCCTAGAAAAGAAATCCAGATACATAAAAAGGAAAGCCAGTTAGTCTAAAACAT-3'
Protein context (NP_001203.1, residues 71-91): CGSLHTDGDK[Ala81Thr]FVDFLSDEIK

ClinVar aggregate classification (germline): Conflicting classifications of pathogenicity. Review status: criteria provided, conflicting classifications (1 of 4 stars). 2 submissions from 2 submitters: Uncertain significance (1); Likely benign (1). Last evaluated 2025-11-25.

Conditions:
C1QBP-related disorder. Also called: C1QBP-related condition.

Allele frequency attached by ClinVar (database versions not stated): ExAC 0.00022; TOPMed 0.00075; ESP Exome Variant Server 0.00077; gnomAD 0.00079; 1000 Genomes Project 0.00100; 1000 Genomes Project 30x 0.00109; gnomAD exomes 0.00006.

Submissions (2):

Labcorp Genetics (formerly Invitae), Labcorp
Classification: Likely benign. Last evaluated: 2025-11-25. Review status: criteria provided, single submitter. Criteria: Invitae Variant Classification Sherloc (09022015). Collection method: clinical testing. Allele origin: germline.

PreventionGenetics, part of Exact Sciences
Classification: Uncertain significance for C1QBP-related condition. Last evaluated: 2025-05-08. Review status: criteria provided, single submitter. Criteria: ACMG Guidelines, 2015. Collection method: clinical testing. Allele origin: germline.
Comment: The C1QBP c.241G>A variant is predicted to result in the amino acid substitution p.Ala81Thr. To our knowledge, this variant has not been reported in the literature in association with C1QBP-related disease. This variant is reported in 0.22% of alleles in individuals of African descent in gnomAD, which may be too frequent to be an undocumented primary cause of disease. Although we suspect that c.241G>A (p.Ala81Thr) may be benign, the clinical significance of this variant is classified as uncertain at this time due to the absence of conclusive functional and genetic evidence.